The following is an entry in ClinVar:

NM_005754.3(G3BP1):c.283_285del (p.Met95del)

Gene: G3BP1 (G3BP stress granule assembly factor 1; plus strand). Cytogenetic location: 5q33.1.
Variant type: Deletion.
Coding change: c.283_285del on transcript NM_005754.3 (MANE Select); coding-DNA positions 283 to 285, 3 bases deleted (ATG; older notation c.283_285delATG).
Protein change: p.Met95del; deletes methionine 95.
Molecular consequence: inframe deletion.
Genome position (GRCh38, 1-based): chr5:151,790,994-151,790,996, ATG deleted; deleting any 3 consecutive bases within chr5:151,790,992-151,790,996 gives the same sequence; the c. name uses the placement nearest the transcript's 3' end. VCF-style (leftmost placement, unchanged base first): chr5-151790991-GTGA-G. GRCh37 (hg19) VCF-style: chr5-151170552-GTGA-G.
Other names: c.283_285del, p.Met95del (NM_198395.2); short protein forms M95del.
Identifiers: ClinVar variation 4281830 (VCV004281830.1).

ClinVar aggregate classification (germline): Uncertain significance (1 of 4 stars; one submission).

Submission:

GeneDx
Classification: Uncertain significance. Last evaluated: 2025-04-09. Review status: criteria provided, single submitter. Criteria: GeneDx Variant Classification Process June 2021. Collection method: clinical testing. Allele origin: germline. Affected: yes.
Comment: Not observed at significant frequency in large population cohorts (gnomAD); In-frame deletion of 1 amino acid in a non-repeat region; In silico analysis supports a deleterious effect on protein structure/function; Has not been previously published as pathogenic or benign to our knowledge